The following is an entry in ClinVar:

ClinVar aggregate classification (germline): Uncertain significance (1 of 4 stars; one submission).

Allele frequency attached by ClinVar (database versions not stated): gnomAD 0.00001.
gnomAD v4.1: 1 of 1,201,618 alleles (0.000083%); highest among the groups gnomAD compares: African/African-American, 0.0017%; no homozygotes.

Submission:

GeneDx
Classification: Uncertain significance. Last evaluated: 2023-02-10. Review status: criteria provided, single submitter. Criteria: GeneDx Variant Classification Process June 2021. Collection method: clinical testing. Allele origin: germline. Affected: yes.
Comment: Not observed at significant frequency in large population cohorts (gnomAD); In silico analysis supports that this missense variant does not alter protein structure/function; Has not been previously published as pathogenic or benign to our knowledge

NM_004208.4(AIFM1):c.50T>C (p.Val17Ala)

Genes: AIFM1 (apoptosis inducing factor mitochondria associated 1; minus strand), RAB33A (RAB33A, member RAS oncogene family; plus strand), LOC130068679 (ATAC-STARR-seq lymphoblastoid active region 29939; plus strand). Cytogenetic location: Xq26.1.
Variant type: single nucleotide variant.
Coding change: c.50T>C on transcript NM_004208.4 (MANE Select); coding-DNA position 50, T replaced by C.
Protein change: p.Val17Ala; replaces valine 17 with alanine.
Molecular consequence: missense variant. On other transcripts: non-coding transcript variant (1).
Genome position (GRCh38, 1-based): chrX:130,165,607, A>G on the plus strand (T>C on the coding strand, the complement: AIFM1 is on the minus strand). VCF-style: chrX-130165607-A-G. GRCh37 (hg19) VCF-style: chrX-129299581-A-G.
Other names: c.50T>C, p.Val17Ala (NM_001130847.4, NM_145812.3); short protein forms V17A.
Identifiers: ClinVar variation 2575548 (VCV002575548.1), dbSNP rs1226189659, ClinGen allele CA414565227.